The following is an entry in ClinVar:

ClinVar aggregate classification (germline): Uncertain significance (1 of 4 stars; one submission).

Conditions:
Malignant hyperthermia, susceptibility to, 5 (MHS5). Also called: CACNA1S-Related Malignant Hyperthermia Susceptibility. Identifiers: Orphanet 423, MedGen C1866077, MONDO:0011163, OMIM 601887.
Hypokalemic periodic paralysis, type 1. Also called: HypoPP; Hypokalemic Periodic Paralysis Type 1 (AD). Identifiers: Orphanet 681, MedGen C3714580, MONDO:0042979, OMIM 170400.

Submission:

Labcorp Genetics (formerly Invitae), Labcorp
Classification: Uncertain significance for Hypokalemic periodic paralysis, type 1; Malignant hyperthermia, susceptibility to, 5. Last evaluated: 2021-11-14. Review status: criteria provided, single submitter. Criteria: Invitae Variant Classification Sherloc (09022015). Collection method: clinical testing. Allele origin: germline.
Comment: Algorithms developed to predict the effect of missense changes on protein structure and function (SIFT, PolyPhen-2, Align-GVGD) all suggest that this variant is likely to be disruptive. This variant has not been reported in the literature in individuals affected with CACNA1S-related conditions. This variant is not present in population databases (gnomAD no frequency). This sequence change replaces alanine, which is neutral and non-polar, with threonine, which is neutral and polar, at codon 1312 of the CACNA1S protein (p.Ala1312Thr). In summary, the available evidence is currently insufficient to determine the role of this variant in disease. Therefore, it has been classified as a Variant of Uncertain Significance.

NM_000069.3(CACNA1S):c.3934G>A (p.Ala1312Thr)

Gene: CACNA1S (calcium voltage-gated channel subunit alpha1 S; minus strand). Cytogenetic location: 1q32.1.
Variant type: single nucleotide variant.
Coding change: c.3934G>A on transcript NM_000069.3 (MANE Select); coding-DNA position 3934, G replaced by A.
Protein change: p.Ala1312Thr; replaces alanine 1312 with threonine.
Molecular consequence: missense variant.
Genome position (GRCh38, 1-based): chr1:201,052,576, C>T on the plus strand (G>A on the coding strand, the complement: CACNA1S is on the minus strand). VCF-style: chr1-201052576-C-T. GRCh37 (hg19) VCF-style: chr1-201021704-C-T.
Other names: short protein forms A1312T.
Identifiers: ClinVar variation 1380134 (VCV001380134.6), dbSNP rs2102560671, ClinGen allele CA344152255.